The following is an entry in ClinVar:

NM_015100.4(POGZ):c.1252C>A (p.Pro418Thr)

Gene: POGZ (pogo transposable element derived with ZNF domain; minus strand). Cytogenetic location: 1q21.3.
Variant type: single nucleotide variant.
Coding change: c.1252C>A on transcript NM_015100.4 (MANE Select); coding-DNA position 1252, C replaced by A.
Protein change: p.Pro418Thr; replaces proline 418 with threonine.
Molecular consequence: missense variant.
Genome position (GRCh38, 1-based): chr1:151,424,220, G>T on the plus strand (C>A on the coding strand, the complement: POGZ is on the minus strand). VCF-style: chr1-151424220-G-T. GRCh37 (hg19) VCF-style: chr1-151396696-G-T.
Other names: c.1225C>A, p.Pro409Thr (NM_001194937.2); c.1066C>A, p.Pro356Thr (NM_001194938.2); c.967C>A, p.Pro323Thr (NM_145796.4); c.1093C>A, p.Pro365Thr (NM_207171.2); short protein forms P356T, P409T, P418T, P323T, P365T.
Identifiers: ClinVar variation 930244 (VCV000930244.3), dbSNP rs1277299979, ClinGen allele CA341972008.

ClinVar aggregate classification (germline): Uncertain significance (1 of 4 stars; one submission).

Conditions:
Intellectual disability-microcephaly-strabismus-behavioral abnormalities syndrome. Also called: White-Sutton Syndrome. Identifiers: Orphanet 468678, MedGen C4225351, MONDO:0014606, OMIM 616364.

gnomAD v4.1: 1 of 1,613,792 alleles (0.000062%); highest among the groups gnomAD compares: Non-Finnish European, 0.000085%; no homozygotes.

Submission:

Centre for Mendelian Genomics, University Medical Centre Ljubljana
Classification: Uncertain significance for Intellectual disability-microcephaly-strabismus-behavioral abnormalities syndrome. Last evaluated: 2018-11-21. Review status: criteria provided, single submitter. Criteria: ACMG Guidelines, 2015. Collection method: clinical testing. Allele origin: unknown. Affected: yes.
Comment: This variant was classified as: Uncertain significance. The available evidence on this variant's pathogenicity is insufficient or conflicting. The following ACMG criteria were applied in classifying this variant: No criteria apply.